The following is an entry in ClinVar:

ClinVar aggregate classification (germline): other (1 of 4 stars; one submission).

Conditions:
Congenital fibrosarcoma. Also called: Infantile fibrosarcoma. Identifiers: MedGen C0334459, MONDO:0004557.

Submission:

Institute for Genomic Medicine (IGM) Clinical Laboratory, Nationwide Children's Hospital
Classification: other for infantile fibrosarcoma. Last evaluated: 2020-05-19. Review status: criteria provided, single submitter. Criteria: AMP Guidelines, 2017. Collection method: clinical testing. Allele origin: somatic. Affected: yes.
Comment: This in-frame fusion event connects exon 5 of RBPMS (NM_006867.3) and exon 15 of MET (NM_000245.2), resulting in a 513-amino-acid chimeric protein. The fusion product results in juxtaposition of RBPMS, including the dimerization domain localized within the RNA recognition motif (RRM), to the intact MET protein kinase domain, a configuration predicted to result in kinase fusion gene activation.

RBPMS-MET fusion

Genes: MET (MET proto-oncogene, receptor tyrosine kinase; plus strand), RBPMS (RNA binding protein, mRNA processing factor; plus strand). Cytogenetic location: 8p12.
Variant type: Translocation.
Identifiers: ClinVar variation 978602 (VCV000978602.6).